The following is an entry in ClinVar:

ClinVar aggregate classification (germline): Pathogenic (1 of 4 stars; one submission).

Submission:

Labcorp Genetics (formerly Invitae), Labcorp
Classification: Pathogenic. Last evaluated: 2022-06-22. Review status: criteria provided, single submitter. Criteria: Invitae Variant Classification Sherloc (09022015). Collection method: clinical testing. Allele origin: germline.
Comment: This variant is a gross deletion of the genomic region encompassing exon(s) 6-11 of the FECH gene, which includes the termination codon. This deletion extends beyond the assayed region for this gene and therefore may encompass additional genes. While this deletion is not anticipated to lead to nonsense mediated decay, it is expected to alter mRNA translation or result in a truncated protein product. For these reasons, this variant has been classified as Pathogenic. This variant disrupts a region of the FECH protein in which other variant(s) (p.Pro334Leu) have been determined to be pathogenic (PMID: 9585598, 12601550, 15286165, 17711525, 23364466). This suggests that this is a clinically significant region of the protein, and that variants that disrupt it are likely to be disease-causing. This variant has not been reported in the literature in individuals affected with FECH-related conditions.

Literature cited by the submitters: PubMed 9585598; PubMed 12601550; PubMed 15286165; PubMed 17711525; PubMed 23364466.

NC_000018.9:g.(?_55217944)_(55230232_?)del

Gene: FECH (ferrochelatase; minus strand). Cytogenetic location: 18q21.31.
Variant type: Deletion.
Identifiers: ClinVar variation 1459020 (VCV001459020.5).